The following is an entry in ClinVar:

ClinVar aggregate classification (germline): Pathogenic (1 of 4 stars; one submission).

Submission:

Labcorp Genetics (formerly Invitae), Labcorp
Classification: Pathogenic. Last evaluated: 2025-01-30. Review status: criteria provided, single submitter. Criteria: Invitae Variant Classification Sherloc (09022015). Collection method: clinical testing. Allele origin: germline.
Comment: This sequence change creates a premature translational stop signal (p.Thr204Metfs*22) in the CLDN14 gene. While this is not anticipated to result in nonsense mediated decay, it is expected to disrupt the last 36 amino acid(s) of the CLDN14 protein. This variant is not present in population databases (gnomAD no frequency). This variant has not been reported in the literature in individuals affected with CLDN14-related conditions. This variant disrupts a region of the CLDN14 protein in which other variant(s) (p.Gly232Arg) have been determined to be pathogenic (PMID: 22246673, 31541171). This suggests that this is a clinically significant region of the protein, and that variants that disrupt it are likely to be disease-causing. For these reasons, this variant has been classified as Pathogenic.

Literature cited by the submitters: PubMed 22246673; PubMed 31541171.

NM_001146079.2(CLDN14):c.611del (p.Thr204fs)

Genes: CLDN14 (claudin 14; minus strand), CLDN14-AS1 (CLDN14 antisense RNA 1; plus strand). Cytogenetic location: 21q22.13.
Variant type: Deletion.
Coding change: c.611del on transcript NM_001146079.2 (MANE Select); coding-DNA position 611, one base deleted (C; older notation c.611delC).
Protein change: p.Thr204fs; shifts the reading frame from threonine 204.
Molecular consequence: frameshift variant.
Genome position (GRCh38, 1-based): chr21:36,461,085, G deleted on the plus strand (C on the coding strand, the reverse complement: CLDN14 is on the minus strand). VCF-style (leftmost placement, unchanged base first): chr21-36461084-AG-A. GRCh37 (hg19) VCF-style: chr21-37833382-AG-A.
Other names: c.611del, p.Thr204fs (NM_001146077.2, NM_001146078.3, NM_012130.4 and 1 more transcripts); short protein forms T204fs.
Identifiers: ClinVar variation 4807142 (VCV004807142.1).
Genomic context (GRCh38, chr21:36,461,084, plus strand): 5'-TGAGGGGGCCCGATTGTCTTTGTAGGCAGCTGGTGGCTGGTAGGCAGGTGCGGTGTTTGC[AG>A]TGGTCGTGGTGGCCCTGGGCGGGGCCTGGTAGGGCCTGTAGGGTGCCTCGTCCTGGCAGG-3'